The following is an entry in ClinVar:

ClinVar aggregate classification (germline): Uncertain significance (1 of 4 stars; one submission).

Conditions:
Acrocallosal syndrome (ACLS). Also called: HALLUX DUPLICATION, POSTAXIAL POLYDACTYLY, AND ABSENCE OF CORPUS CALLOSUM; Schinzel syndrome 1; Absence of corpus callosum with unusual facial appearance, mental deficiency, duplication of the halluces and polydactyly. Identifiers: Orphanet 36, MedGen C0796147, MONDO:0008708, OMIM 200990.

Allele frequency attached by ClinVar (database versions not stated): ExAC 0.00001; TOPMed 0.00001.
gnomAD v4.1: 8 of 1,607,432 alleles (0.0005%); highest among the groups gnomAD compares: South Asian, 0.0011%; no homozygotes.

Submission:

Labcorp Genetics (formerly Invitae), Labcorp
Classification: Uncertain significance for Acrocallosal syndrome. Last evaluated: 2024-08-31. Review status: criteria provided, single submitter. Criteria: Invitae Variant Classification Sherloc (09022015). Collection method: clinical testing. Allele origin: germline.
Comment: This sequence change replaces methionine, which is neutral and non-polar, with valine, which is neutral and non-polar, at codon 719 of the KIF7 protein (p.Met719Val). This variant is present in population databases (rs746859616, gnomAD 0.0009%). This variant has not been reported in the literature in individuals affected with KIF7-related conditions. ClinVar contains an entry for this variant (Variation ID: 2057279). An algorithm developed to predict the effect of missense changes on protein structure and function outputs the following: PolyPhen-2: "Benign". The valine amino acid residue is found in multiple mammalian species, which suggests that this missense change does not adversely affect protein function. In summary, the available evidence is currently insufficient to determine the role of this variant in disease. Therefore, it has been classified as a Variant of Uncertain Significance.

NM_198525.3(KIF7):c.2155A>G (p.Met719Val)

Gene: KIF7 (kinesin family member 7; minus strand). Cytogenetic location: 15q26.1.
Variant type: single nucleotide variant.
Coding change: c.2155A>G on transcript NM_198525.3 (MANE Select); coding-DNA position 2155, A replaced by G.
Protein change: p.Met719Val; replaces methionine 719 with valine.
Molecular consequence: missense variant.
Genome position (GRCh38, 1-based): chr15:89,645,049, T>C on the plus strand (A>G on the coding strand, the complement: KIF7 is on the minus strand). VCF-style: chr15-89645049-T-C. GRCh37 (hg19) VCF-style: chr15-90188280-T-C.
Other names: short protein forms M719V.
Identifiers: ClinVar variation 2057279 (VCV002057279.3), dbSNP rs746859616, ClinGen allele CA7728310.